The following is an entry in ClinVar:

NM_000548.5(TSC2):c.5131G>C (p.Val1711Leu)

Gene: TSC2 (TSC complex subunit 2; plus strand). Cytogenetic location: 16p13.3.
Variant type: single nucleotide variant.
Coding change: c.5131G>C on transcript NM_000548.5 (MANE Select); coding-DNA position 5131, G replaced by C.
Protein change: p.Val1711Leu; replaces valine 1711 with leucine.
Molecular consequence: missense variant.
Genome position (GRCh38, 1-based): chr16:2,088,110, G>C. VCF-style: chr16-2088110-G-C. GRCh37 (hg19) VCF-style: chr16-2138111-G-C.
Other names: c.4930G>C, p.Val1644Leu (NM_001077183.3); c.5062G>C, p.Val1688Leu (NM_001114382.3); c.4822G>C, p.Val1608Leu (NM_001318827.2); c.4786G>C, p.Val1596Leu (NM_001318829.2); c.4399G>C, p.Val1467Leu (NM_001318831.2); c.4963G>C, p.Val1655Leu (NM_001318832.2); c.4933G>C, p.Val1645Leu (NM_001363528.2); c.4999G>C, p.Val1667Leu (NM_001370404.1); and 1 more; short protein forms V1711L, V1667L, V1467L, V1644L, V1655L, V1688L, V1608L, V1645L.
Identifiers: ClinVar variation 468141 (VCV000468141.16), dbSNP rs139779505, ClinGen allele CA394312457.
Genomic context (GRCh38, chr16:2,088,110, plus strand): 5'-ATGGAGGGCCTTGTGGACACCAGCGTGGCCAAGATCGTGTCTGACCGCAACCTGCCCTTC[G>C]TGGCCCGCCAGATGGCCCTGCACGCAAATGTGAGTGGGGGTGGGTCCAGGCGTGAGCTGG-3'
Protein context (NP_000539.2, residues 1701-1721): KIVSDRNLPF[Val1711Leu]ARQMALHANM

ClinVar aggregate classification (germline): Conflicting classifications of pathogenicity. Review status: criteria provided, conflicting classifications (1 of 4 stars). 3 submissions from 3 submitters: Uncertain significance (2); Benign (1). Last evaluated 2025-06-27.

Conditions:
Hereditary cancer-predisposing syndrome. Also called: Hereditary neoplastic syndrome; Neoplastic Syndromes, Hereditary; Tumor predisposition; Hereditary Cancer Syndrome. Identifiers: Orphanet 140162, MedGen C0027672, MeSH D009386, MONDO:0015356.
Tuberous sclerosis syndrome (TSC). Also called: Tuberous Sclerosis Complex; Tuberous sclerosis. Identifiers: Orphanet 805, MedGen C0041341, MONDO:0001734.
Tuberous sclerosis 2 (TSC2). Identifiers: Orphanet 805, MedGen C1860707, MONDO:0013199, OMIM 613254.

Allele frequency attached by ClinVar (database versions not stated): 1000 Genomes Project 30x 0.00016.
gnomAD v4.1: 5 of 1,612,958 alleles (0.00031%); highest among the groups gnomAD compares: East Asian, 0.0022%; no homozygotes.

Submissions (3):

Ambry Genetics
Classification: Uncertain significance for Hereditary cancer-predisposing syndrome. Last evaluated: 2025-06-27. Review status: criteria provided, single submitter. Criteria: Ambry Variant Classification Scheme 2023. Collection method: clinical testing. Allele origin: germline.
Comment: The p.V1711L variant (also known as c.5131G>C), located in coding exon 39 of the TSC2 gene, results from a G to C substitution at nucleotide position 5131. The valine at codon 1711 is replaced by leucine, an amino acid with highly similar properties. This amino acid position is not well conserved in available vertebrate species, and leucine is the reference amino acid in other vertebrate species. In addition, the in silico prediction for this alteration is inconclusive. Since supporting evidence is limited at this time, the clinical significance of this alteration remains unclear.

Labcorp Genetics (formerly Invitae), Labcorp
Classification: Benign for Tuberous sclerosis 2. Last evaluated: 2025-04-01. Review status: criteria provided, single submitter. Criteria: Invitae Variant Classification Sherloc (09022015). Collection method: clinical testing. Allele origin: germline.

All of Us Research Program, National Institutes of Health
Classification: Uncertain significance for Tuberous sclerosis syndrome. Last evaluated: 2023-09-17. Review status: criteria provided, single submitter. Criteria: ACMG Guidelines, 2015. Collection method: clinical testing. Allele origin: germline. Inheritance: Autosomal dominant inheritance. Observed: 1 variant allele, 1 heterozygote.
Comment: This missense variant replaces valine with leucine at codon 1711 of the TSC2 protein. Computational prediction is inconclusive regarding the impact of this variant on protein structure and function (internally defined REVEL score threshold 0.5 < inconclusive < 0.7, PMID: 27666373). To our knowledge, functional studies have not been reported for this variant. This variant has not been reported in individuals affected with TSC2-related disorders in the literature. This variant has been identified in 2/250396 chromosomes in the general population by the Genome Aggregation Database (gnomAD). The available evidence is insufficient to determine the role of this variant in disease conclusively. Therefore, this variant is classified as a Variant of Uncertain Significance.

This study involves interpretation of variants in research participants for the purpose of population health screening. Participant phenotype was not available at the time of variant classification. Additional details can be found in publication PMID: 35346344, PMCID: PMC8962531

Literature cited by the submitters: PubMed 32390558 (cited by Ambry Genetics).